The following is an entry in ClinVar:

NC_000014.8:g.(?_96858492)_(96954680_?)dup

Gene: AK7 (adenylate kinase 7; plus strand). Cytogenetic location: 14q32.2.
Variant type: Duplication.
Identifiers: ClinVar variation 3244103 (VCV003244103.1).

ClinVar aggregate classification (germline): Uncertain significance (1 of 4 stars; one submission).

Submission:

Labcorp Genetics (formerly Invitae), Labcorp
Classification: Uncertain significance. Last evaluated: 2023-06-23. Review status: criteria provided, single submitter. Criteria: Invitae Variant Classification Sherloc (09022015). Collection method: clinical testing. Allele origin: unknown.
Comment: In summary, the available evidence is currently insufficient to determine the role of this variant in disease. Therefore, it has been classified as a Variant of Uncertain Significance. Experimental studies and prediction algorithms are not available or were not evaluated, and the functional significance of this variant is currently unknown. This variant has not been reported in the literature in individuals affected with AK7-related conditions. A copy number gain of the genomic region encompassing the full coding sequence of the AK7 gene has been identified. The boundaries of this event are unknown as they extend beyond the assayed region for this gene and therefore may encompass additional genes. As the precise location of this event is unknown, it may be in tandem or it may be located elsewhere in the genome.